The following is an entry in ClinVar:

ClinVar aggregate classification (germline): Likely benign (1 of 4 stars; one submission).

gnomAD v4.1: 41 of 1,614,042 alleles (0.0025%); highest among the groups gnomAD compares: South Asian, 0.0099%; 1 homozygote.

Submission:

CeGaT Center for Human Genetics Tuebingen
Classification: Likely benign. Last evaluated: 2025-06-01. Review status: criteria provided, single submitter. Criteria: CeGaT Center For Human Genetics Tuebingen Variant Classification Criteria Version 2. Collection method: clinical testing. Allele origin: germline. Affected: yes. Observed: 1 variant allele.
Comment: FAXC: BP4, BP7

NM_032511.4(FAXC):c.732C>T (p.Arg244=)

Gene: FAXC (failed axon connections homolog, metaxin like GST domain containing; minus strand). Cytogenetic location: 6q16.2.
Variant type: single nucleotide variant.
Coding change: c.732C>T on transcript NM_032511.4 (MANE Select); coding-DNA position 732, C replaced by T.
Protein change: p.Arg244=; no amino-acid change (arginine 244 retained).
Molecular consequence: synonymous variant.
Genome position (GRCh38, 1-based): chr6:99,323,535, G>A on the plus strand (C>T on the coding strand, the complement: FAXC is on the minus strand). VCF-style: chr6-99323535-G-A. GRCh37 (hg19) VCF-style: chr6-99771411-G-A.
Other names: c.369C>T, p.Arg123= (NM_001346530.2, NM_001346533.1); c.573C>T, p.Arg191= (NM_001346531.2, NM_001346532.1).
Identifiers: ClinVar variation 3905110 (VCV003905110.10).